The following is an entry in ClinVar:

ClinVar aggregate classification (germline): Likely benign (1 of 4 stars; one submission).

Allele frequency attached by ClinVar (database versions not stated): 1000 Genomes Project 0.00100; 1000 Genomes Project 30x 0.00109; gnomAD 0.00134; ExAC 0.00144; ESP Exome Variant Server 0.00200.

Submission:

CeGaT Center for Human Genetics Tuebingen
Classification: Likely benign. Last evaluated: 2023-01-01. Review status: criteria provided, single submitter. Criteria: CeGaT Center For Human Genetics Tuebingen Variant Classification Criteria Version 2. Collection method: clinical testing. Allele origin: germline. Affected: yes. Observed: 2 variant alleles.
Comment: FCGBP: BP4, BP7

NM_003890.3(FCGBP):c.13776T>C (p.Asp4592=)

Gene: FCGBP (Fc gamma binding protein; minus strand). Cytogenetic location: 19q13.2.
Variant type: single nucleotide variant.
Coding change: c.13776T>C on transcript NM_003890.3 (MANE Select); coding-DNA position 13776, T replaced by C.
Protein change: p.Asp4592=; no amino-acid change (aspartic acid 4592 retained).
Molecular consequence: synonymous variant.
Genome position (GRCh38, 1-based): chr19:39,875,818, A>G on the plus strand (T>C on the coding strand, the complement: FCGBP is on the minus strand). VCF-style: chr19-39875818-A-G. GRCh37 (hg19) VCF-style: chr19-40366458-A-G.
Identifiers: ClinVar variation 2649843 (VCV002649843.24), dbSNP rs148970533, ClinGen allele CA9435618.